The following is an entry in ClinVar:

ClinVar aggregate classification (germline): Likely pathogenic (1 of 4 stars; one submission).

Submission:

Labcorp Genetics (formerly Invitae), Labcorp
Classification: Likely pathogenic. Last evaluated: 2022-09-27. Review status: criteria provided, single submitter. Criteria: Invitae Variant Classification Sherloc (09022015). Collection method: clinical testing. Allele origin: germline.
Comment: In summary, the currently available evidence indicates that the variant is pathogenic, but additional data are needed to prove that conclusively. Therefore, this variant has been classified as Likely Pathogenic. Advanced modeling of protein sequence and biophysical properties (such as structural, functional, and spatial information, amino acid conservation, physicochemical variation, residue mobility, and thermodynamic stability) performed at Invitae indicates that this missense variant is expected to disrupt CNGA3 protein function. This missense change has been observed in individuals with achromatopsia (PMID: 25637600, 30711023). This variant is not present in population databases (gnomAD no frequency). This sequence change replaces valine, which is neutral and non-polar, with phenylalanine, which is neutral and non-polar, at codon 336 of the CNGA3 protein (p.Val336Phe).

Literature cited by the submitters: PubMed 25637600; PubMed 30711023.

NM_001298.3(CNGA3):c.1006G>T (p.Val336Phe)

Gene: CNGA3 (cyclic nucleotide gated channel subunit alpha 3; plus strand). Cytogenetic location: 2q11.2.
Variant type: single nucleotide variant.
Coding change: c.1006G>T on transcript NM_001298.3 (MANE Select); coding-DNA position 1006, G replaced by T.
Protein change: p.Val336Phe; replaces valine 336 with phenylalanine.
Molecular consequence: missense variant.
Genome position (GRCh38, 1-based): chr2:98,396,176, G>T. VCF-style: chr2-98396176-G-T. GRCh37 (hg19) VCF-style: chr2-99012639-G-T.
Other names: c.952G>T, p.Val318Phe (NM_001079878.2); short protein forms V318F, V336F.
Identifiers: ClinVar variation 2203119 (VCV002203119.4), dbSNP rs2467028835, ClinGen allele CA347832626.